The following is an entry in ClinVar:

NM_017739.4(POMGNT1):c.950G>A (p.Arg317Lys)

Genes: POMGNT1 (protein O-linked mannose N-acetylglucosaminyltransferase 1 (beta 1,2-); minus strand), TSPAN1 (tetraspanin 1; plus strand). Cytogenetic location: 1p34.1.
Variant type: single nucleotide variant.
Coding change: c.950G>A on transcript NM_017739.4 (MANE Select); coding-DNA position 950, G replaced by A.
Protein change: p.Arg317Lys; replaces arginine 317 with lysine.
Molecular consequence: missense variant.
Genome position (GRCh38, 1-based): chr1:46,193,855, C>T on the plus strand (G>A on the coding strand, the complement: POMGNT1 is on the minus strand). VCF-style: chr1-46193855-C-T. GRCh37 (hg19) VCF-style: chr1-46659527-C-T.
Other names: c.950G>A, p.Arg317Lys (NM_001243766.2, NM_001410783.1); c.884G>A, p.Arg295Lys (NM_001290129.3); c.521G>A, p.Arg174Lys (NM_001290130.2); short protein forms R174K, R295K, R317K.
Identifiers: ClinVar variation 1505154 (VCV001505154.8), dbSNP rs1657992159, ClinGen allele CA340181342.

ClinVar aggregate classification (germline): Uncertain significance (1 of 4 stars; one submission).

Conditions:
Autosomal recessive limb-girdle muscular dystrophy type 2O. Also called: Limb-Girdle Muscular Dystrophy Type 3C; MUSCULAR DYSTROPHY-DYSTROGLYCANOPATHY (LIMB-GIRDLE), TYPE C, 3; MUSCULAR DYSTROPHY-DYSTROGLYCANOPATHY, LIMB-GIRDLE, POMGNT1-RELATED. Identifiers: Orphanet 206564, MedGen C3150417, MONDO:0013161, OMIM 613157.
Muscular dystrophy-dystroglycanopathy (congenital with impaired intellectual development), type B, 3. Also called: Muscular dystrophy-dystroglycanopathy (congenital with intellectual disability), type B3; MUSCULAR DYSTROPHY, CONGENITAL, POMGNT1-RELATED. Identifiers: MedGen C3150412, MONDO:0013155, OMIM 613151.

Submission:

Labcorp Genetics (formerly Invitae), Labcorp
Classification: Uncertain significance for Autosomal recessive limb-girdle muscular dystrophy type 2O; Muscular dystrophy-dystroglycanopathy (congenital with impaired intellectual development), type B, 3. Last evaluated: 2022-02-08. Review status: criteria provided, single submitter. Criteria: Invitae Variant Classification Sherloc (09022015). Collection method: clinical testing. Allele origin: germline.
Comment: In summary, the available evidence is currently insufficient to determine the role of this variant in disease. Therefore, it has been classified as a Variant of Uncertain Significance. Variants that disrupt the consensus splice site are a relatively common cause of aberrant splicing (PMID: 17576681, 9536098). Algorithms developed to predict the effect of sequence changes on RNA splicing suggest that this variant may disrupt the consensus splice site. Algorithms developed to predict the effect of missense changes on protein structure and function are either unavailable or do not agree on the potential impact of this missense change (SIFT: "Tolerated"; PolyPhen-2: "Probably Damaging"; Align-GVGD: "Class C0"). This missense change has been observed in individual(s) with clinical features of retinitis pigmentosa (Invitae). This variant is not present in population databases (gnomAD no frequency). This sequence change replaces arginine, which is basic and polar, with lysine, which is basic and polar, at codon 317 of the POMGNT1 protein (p.Arg317Lys). This variant also falls at the last nucleotide of exon 10, which is part of the consensus splice site for this exon.

Literature cited by the submitters: PubMed 17576681; PubMed 9536098.